The following is an entry in ClinVar:

ClinVar aggregate classification (germline): Conflicting classifications of pathogenicity. Review status: criteria provided, conflicting classifications (1 of 4 stars). 5 submissions from 5 submitters: Uncertain significance (1); Benign (1); Likely benign (2). 1 of the submissions does not count toward it. Last evaluated 2026-01-19.

Conditions:
X-linked severe combined immunodeficiency (SCIDX1). Also called: T-B+ severe combined immunodeficiency due to gamma chain deficiency; IMMUNODEFICIENCY 4; SCID, X-LINKED; SEVERE COMBINED IMMUNODEFICIENCY, X-LINKED, T CELL-NEGATIVE, B CELL-POSITIVE, NK CELL-NEGATIVE; X-Linked Combined Immunodeficiency Diseases. Identifiers: Orphanet 276, MedGen C6022468, MONDO:0010315, OMIM 300400. Disease mechanism: loss of function.
Inborn genetic diseases. Identifiers: MedGen C0950123, MeSH D030342.
IL2RG-related disorder. Also called: IL2RG-related condition.

Allele frequency attached by ClinVar (database versions not stated): gnomAD 0.00001 and 0.00002; ExAC 0.00002; gnomAD exomes 0.00002 and 0.00004; TOPMed 0.00003; ESP Exome Variant Server 0.00009.
gnomAD v4.1: 43 of 1,207,670 alleles (0.0036%); highest among the groups gnomAD compares: Non-Finnish European, 0.0045%; no homozygotes.

Submissions (5):

Labcorp Genetics (formerly Invitae), Labcorp
Classification: Benign for X-linked severe combined immunodeficiency. Last evaluated: 2026-01-19. Review status: criteria provided, single submitter. Criteria: Invitae Variant Classification Sherloc (09022015). Collection method: clinical testing. Allele origin: germline.

Ambry Genetics
Classification: Uncertain significance for Inborn genetic diseases. Last evaluated: 2025-04-28. Review status: criteria provided, single submitter. Criteria: Ambry Variant Classification Scheme 2023. Collection method: clinical testing. Allele origin: germline.

PreventionGenetics, part of Exact Sciences
Classification: Likely benign for IL2RG-related condition. Last evaluated: 2025-03-17. Review status: criteria provided, single submitter. Criteria: ACMG Guidelines, 2015. Collection method: clinical testing. Allele origin: germline.
Comment: This variant is classified as likely benign based on ACMG/AMP sequence variant interpretation guidelines (Richards et al. 2015 PMID: 25741868, with internal and published modifications).

Blueprint Genetics
Classification: Likely benign. Last evaluated: 2024-10-14. Review status: criteria provided, single submitter. Criteria: ACMG Guidelines, 2015. Collection method: clinical testing. Allele origin: germline.

Natera, Inc.
Classification: Likely benign for X-linked severe combined immunodeficiency. Last evaluated: 2020-09-21. Review status: no assertion criteria provided. Collection method: clinical testing. Allele origin: germline. Not counted in ClinVar's aggregate classification.

NM_000206.3(IL2RG):c.953C>T (p.Ala318Val)

Gene: IL2RG (interleukin 2 receptor subunit gamma; minus strand). Cytogenetic location: Xq13.1.
Variant type: single nucleotide variant.
Coding change: c.953C>T on transcript NM_000206.3 (MANE Select); coding-DNA position 953, C replaced by T.
Protein change: p.Ala318Val; replaces alanine 318 with valine.
Molecular consequence: missense variant.
Genome position (GRCh38, 1-based): chrX:71,107,893, G>A on the plus strand (C>T on the coding strand, the complement: IL2RG is on the minus strand). VCF-style: chrX-71107893-G-A. GRCh37 (hg19) VCF-style: chrX-70327743-G-A.
Other names: short protein forms A318V.
Identifiers: ClinVar variation 750140 (VCV000750140.15), dbSNP rs370007902, ClinGen allele CA10443772.